The following is an entry in ClinVar:

ClinVar aggregate classification (germline): Conflicting classifications of pathogenicity. Review status: criteria provided, conflicting classifications (1 of 4 stars). 4 submissions from 4 submitters: Uncertain significance (1); Likely benign (3). Last evaluated 2025-04-23.

Conditions:
Osteoporosis with pseudoglioma (OPPG). Also called: osteoporosis-pseudoglioma syndrome. Identifiers: Orphanet 2788, MedGen C0432252, MONDO:0009820, OMIM 259770.
Exudative vitreoretinopathy 4 (EVR4). Identifiers: Orphanet 891, MedGen C1866176, MONDO:0011151, OMIM 601813.
Autosomal dominant osteopetrosis 1 (OPTA1). Also called: OSTEOPETROSIS, AUTOSOMAL DOMINANT, TYPE I. Identifiers: Orphanet 2783, MedGen C1843330, MONDO:0011877, OMIM 607634.
Polycystic liver disease 4 with or without kidney cysts. Identifiers: MedGen C4693479, MONDO:0044327, OMIM 617875.
Bone mineral density quantitative trait locus 1 (BMND1). Identifiers: MedGen C1866079, OMIM 601884.
Worth disease. Also called: ENDOSTEAL HYPEROSTOSIS, AUTOSOMAL DOMINANT; Autosomal dominant osteosclerosis, Worth type; OSTEOSCLEROSIS, AUTOSOMAL DOMINANT. Identifiers: Orphanet 2790, MedGen C0432273, MONDO:0007764, OMIM 144750.

Allele frequency attached by ClinVar (database versions not stated): gnomAD 0.00001.
gnomAD v4.1: 42 of 1,610,556 alleles (0.0026%); highest among the groups gnomAD compares: East Asian, 0.016%; no homozygotes.

Submissions (4):

Labcorp Genetics (formerly Invitae), Labcorp
Classification: Likely benign. Last evaluated: 2025-04-23. Review status: criteria provided, single submitter. Criteria: Invitae Variant Classification Sherloc (09022015). Collection method: clinical testing. Allele origin: germline.

CeGaT Center for Human Genetics Tuebingen
Classification: Likely benign. Last evaluated: 2024-11-01. Review status: criteria provided, single submitter. Criteria: CeGaT Center For Human Genetics Tuebingen Variant Classification Criteria Version 2. Collection method: clinical testing. Allele origin: germline. Affected: yes. Observed: 1 variant allele.
Comment: LRP5: BP4, BP7

Blueprint Genetics
Classification: Likely benign. Last evaluated: 2024-08-07. Review status: criteria provided, single submitter. Criteria: ACMG Guidelines, 2015. Collection method: clinical testing. Allele origin: germline.

Fulgent Genetics
Classification: Uncertain significance for Worth disease; Osteoporosis with pseudoglioma; Exudative vitreoretinopathy 4; Bone mineral density quantitative trait locus 1; Autosomal dominant osteopetrosis 1; Polycystic liver disease 4 with or without kidney cysts. Last evaluated: 2024-06-20. Review status: criteria provided, single submitter. Criteria: ACMG Guidelines, 2015. Collection method: clinical testing. Allele origin: germline.

NM_002335.4(LRP5):c.3228G>A (p.Ala1076=)

Gene: LRP5 (LDL receptor related protein 5; plus strand). Cytogenetic location: 11q13.2.
Variant type: single nucleotide variant.
Coding change: c.3228G>A on transcript NM_002335.4 (MANE Select); coding-DNA position 3228, G replaced by A.
Protein change: p.Ala1076=; no amino-acid change (alanine 1076 retained).
Molecular consequence: synonymous variant.
Genome position (GRCh38, 1-based): chr11:68,423,689, G>A. VCF-style: chr11-68423689-G-A. GRCh37 (hg19) VCF-style: chr11-68191157-G-A.
Other names: c.1485G>A, p.Ala495= (NM_001291902.2).
Identifiers: ClinVar variation 1477074 (VCV001477074.22), dbSNP rs767509386, ClinGen allele CA6149885.